The following is an entry in ClinVar:

NM_198994.3(TGM6):c.956G>A (p.Arg319Gln)

Gene: TGM6 (transglutaminase 6; plus strand). Cytogenetic location: 20p13.
Variant type: single nucleotide variant.
Coding change: c.956G>A on transcript NM_198994.3 (MANE Select); coding-DNA position 956, G replaced by A.
Protein change: p.Arg319Gln; replaces arginine 319 with glutamine.
Molecular consequence: missense variant.
Genome position (GRCh38, 1-based): chr20:2,400,411, G>A. VCF-style: chr20-2400411-G-A. GRCh37 (hg19) VCF-style: chr20-2381057-G-A.
Other names: c.956G>A, p.Arg319Gln (NM_001254734.2); short protein forms R319Q.
Identifiers: ClinVar variation 212403 (VCV000212403.20), dbSNP rs148376598, ClinGen allele CA208785.

ClinVar aggregate classification (germline): Benign/Likely benign. Review status: criteria provided, multiple submitters, no conflicts (2 of 4 stars). 5 submissions from 5 submitters: Benign (2); Likely benign (2). 1 of the submissions does not count toward it. Last evaluated 2025-08-04.

Conditions:
TGM6-related disorder. Also called: TGM6-related condition.

Allele frequency attached by ClinVar (database versions not stated): gnomAD exomes 0.00011 and 0.00029; ExAC 0.00030; 1000 Genomes Project 30x 0.00078; 1000 Genomes Project 0.00080; gnomAD 0.00116 and 0.00123; TOPMed 0.00125; ESP Exome Variant Server 0.00185.
gnomAD v4.1: 346 of 1,614,138 alleles (0.021%); highest among the groups gnomAD compares: African/African-American, 0.41%; 1 homozygote.

Submissions (5):

Labcorp Genetics (formerly Invitae), Labcorp
Classification: Benign. Last evaluated: 2025-08-04. Review status: criteria provided, single submitter. Criteria: Invitae Variant Classification Sherloc (09022015). Collection method: clinical testing. Allele origin: germline.

Athena Diagnostics
Classification: Benign. Last evaluated: 2025-05-19. Review status: criteria provided, single submitter. Criteria: Athena Diagnostics Criteria. Collection method: clinical testing. Allele origin: unknown.
Comment: The frequency of this variant in the general population is higher than would generally be expected for pathogenic variants in this gene. This variant has been seen where an alternate explanation for disease was also identified.

Blueprint Genetics
Classification: Likely benign. Last evaluated: 2024-02-15. Review status: criteria provided, single submitter. Criteria: ACMG Guidelines, 2015. Collection method: clinical testing. Allele origin: germline.

Genetic Services Laboratory, University of Chicago
Classification: Likely benign. Last evaluated: 2019-09-23. Review status: criteria provided, single submitter. Criteria: ACMG Guidelines, 2015. Collection method: clinical testing. Allele origin: germline. Affected: no.

PreventionGenetics, part of Exact Sciences
Classification: Likely benign for TGM6-related condition. Last evaluated: 2019-12-09. Review status: no assertion criteria provided. Collection method: clinical testing. Allele origin: germline. Not counted in ClinVar's aggregate classification.
Comment: This variant is classified as likely benign based on ACMG/AMP sequence variant interpretation guidelines (Richards et al. 2015 PMID: 25741868, with internal and published modifications).

Literature cited by the submitters: PubMed 29915382 (cited by Athena Diagnostics).